The following is an entry in ClinVar:

NM_000392.5(ABCC2):c.2955G>A (p.Ala985=)

Gene: ABCC2 (ATP binding cassette subfamily C member 2; plus strand). Cytogenetic location: 10q24.2.
Variant type: single nucleotide variant.
Coding change: c.2955G>A on transcript NM_000392.5 (MANE Select); coding-DNA position 2955, G replaced by A.
Protein change: p.Ala985=; no amino-acid change (alanine 985 retained).
Molecular consequence: synonymous variant.
Genome position (GRCh38, 1-based): chr10:99,831,682, G>A. VCF-style: chr10-99831682-G-A. GRCh37 (hg19) VCF-style: chr10-101591439-G-A.
Other names: c.2955G>A, p.Ala985= (LRG_1208t1).
Identifiers: ClinVar variation 498612 (VCV000498612.19), dbSNP rs139082536, ClinGen allele CA5643652.

ClinVar aggregate classification (germline): Conflicting classifications of pathogenicity. Review status: criteria provided, conflicting classifications (1 of 4 stars). 5 submissions from 5 submitters: Uncertain significance (2); Likely benign (2). 1 of the submissions does not count toward it. Last evaluated 2026-01-27.

Conditions:
Dubin-Johnson syndrome (DJS). Also called: HYPERBILIRUBINEMIA, DUBIN-JOHNSON TYPE; Jaundice, Chronic Idiopathic; Hyperbilirubinemia type 2. Identifiers: Orphanet 234, MedGen C0022350, MONDO:0009380, OMIM 237500.
ABCC2-related disorder. Also called: ABCC2-related condition.

Allele frequency attached by ClinVar (database versions not stated): gnomAD exomes 0.00026; ESP Exome Variant Server 0.00038; TOPMed 0.00051.
gnomAD v4.1: 479 of 1,614,176 alleles (0.03%); highest among the groups gnomAD compares: African/African-American, 0.092%; no homozygotes.

Submissions (5):

Labcorp Genetics (formerly Invitae), Labcorp
Classification: Likely benign. Last evaluated: 2026-01-27. Review status: criteria provided, single submitter. Criteria: Invitae Variant Classification Sherloc (09022015). Collection method: clinical testing. Allele origin: germline.

Blueprint Genetics
Classification: Likely benign. Last evaluated: 2024-10-07. Review status: criteria provided, single submitter. Criteria: ACMG Guidelines, 2015. Collection method: clinical testing. Allele origin: germline.

Eurofins Ntd Llc (ga)
Classification: Uncertain significance. Last evaluated: 2018-02-09. Review status: criteria provided, single submitter. Criteria: EGL ClinVar v180209 classification definitions. Collection method: clinical testing. Allele origin: germline. Observed: 3 variant alleles, 3 heterozygotes.

Illumina Laboratory Services, Illumina
Classification: Uncertain significance for Dubin-Johnson syndrome. Last evaluated: 2017-04-27. Review status: criteria provided, single submitter. Criteria: ICSL Variant Classification Criteria 13 December 2019. Collection method: clinical testing. Allele origin: germline.

PreventionGenetics, part of Exact Sciences
Classification: Likely benign for ABCC2-related condition. Last evaluated: 2023-01-07. Review status: no assertion criteria provided. Collection method: clinical testing. Allele origin: germline. Not counted in ClinVar's aggregate classification.
Comment: This variant is classified as likely benign based on ACMG/AMP sequence variant interpretation guidelines (Richards et al. 2015 PMID: 25741868, with internal and published modifications).